The following is an entry in ClinVar:

ClinVar aggregate classification (germline): Uncertain significance (1 of 4 stars; one submission).

Conditions:
Familial cancer of breast. Also called: Hereditary breast cancer; BREAST CANCER, FAMILIAL; hereditary breast carcinoma. Identifiers: Orphanet 227535, MedGen C0346153, MONDO:0016419, OMIM 114480. Disease mechanism: loss of function.

Submission:

Labcorp Genetics (formerly Invitae), Labcorp
Classification: Uncertain significance for Familial cancer of breast. Last evaluated: 2020-02-14. Review status: criteria provided, single submitter. Criteria: Invitae Variant Classification Sherloc (09022015). Collection method: clinical testing. Allele origin: germline.
Comment: In summary, the available evidence is currently insufficient to determine the role of this variant in disease. Therefore, it has been classified as a Variant of Uncertain Significance. Experimental studies and prediction algorithms are not available or were not evaluated, and the functional significance of this variant is currently unknown. This variant has not been reported in the literature in individuals with CHEK2-related conditions. This variant results in a copy number gain of the genomic region encompassing exons 6-15 of the CHEK2 gene. The 5' boundary is likely confined to intron 5. The 3' end of this event is unknown as it extends beyond the assayed region for this gene and therefore may encompass additional genes. As the precise location of this event is unknown, it may be in tandem or it may be located elsewhere in the genome.

NC_000022.10:g.(?_29083885)_(29108015_?)dup

Gene: CHEK2 (checkpoint kinase 2; minus strand). Cytogenetic location: 22q12.1.
Variant type: Duplication.
Identifiers: ClinVar variation 1020499 (VCV001020499.6).